The following is an entry in ClinVar:

ClinVar aggregate classification (germline): Uncertain significance (1 of 4 stars; one submission).

Submission:

GeneDx
Classification: Uncertain significance. Last evaluated: 2021-11-23. Review status: criteria provided, single submitter. Criteria: GeneDx Variant Classification Process June 2021. Collection method: clinical testing. Allele origin: germline. Affected: yes.
Comment: Not observed at significant frequency in large population cohorts (gnomAD); In silico analysis supports that this missense variant has a deleterious effect on protein structure/function; Has not been previously published as pathogenic or benign to our knowledge

NM_006245.4(PPP2R5D):c.805T>C (p.Phe269Leu)

Gene: PPP2R5D (protein phosphatase 2 regulatory subunit B'delta; plus strand). Cytogenetic location: 6p21.1.
Variant type: single nucleotide variant.
Coding change: c.805T>C on transcript NM_006245.4 (MANE Select); coding-DNA position 805, T replaced by C.
Protein change: p.Phe269Leu; replaces phenylalanine 269 with leucine.
Molecular consequence: missense variant.
Genome position (GRCh38, 1-based): chr6:43,008,013, T>C. VCF-style: chr6-43008013-T-C. GRCh37 (hg19) VCF-style: chr6-42975751-T-C.
Other names: c.352T>C, p.Phe118Leu (NM_001270476.2); c.709T>C, p.Phe237Leu (NM_180976.3); c.487T>C, p.Phe163Leu (NM_180977.3); short protein forms F118L, F163L, F237L, F269L.
Identifiers: ClinVar variation 1686728 (VCV001686728.2), dbSNP rs2150279836, ClinGen allele CA364189809.